The following is an entry in ClinVar:

NM_000321.3(RB1):c.621A>G (p.Gln207=)

Gene: RB1 (RB transcriptional corepressor 1; plus strand). Cytogenetic location: 13q14.2.
Variant type: single nucleotide variant.
Coding change: c.621A>G on transcript NM_000321.3 (MANE Select); coding-DNA position 621, A replaced by G.
Protein change: p.Gln207=; no amino-acid change (glutamine 207 retained).
Molecular consequence: synonymous variant.
Genome position (GRCh38, 1-based): chr13:48,360,030, A>G. VCF-style: chr13-48360030-A-G. GRCh37 (hg19) VCF-style: chr13-48934166-A-G.
Other names: c.621A>G, p.Gln207= (NM_001407165.1, NM_001407166.1).
Identifiers: ClinVar variation 1752252 (VCV001752252.8), dbSNP rs1952625195, ClinGen allele CA483557657.
Genomic context (GRCh38, chr13:48,360,030, plus strand): 5'-AGATCTGAATCTCTAACTTTCTTTAAAAATGTACATTTTTTTTTCAGGGGAAGTATTACA[A>G]ATGGAAGATGATCTGGTGATTTCATTTCAGTTAATGCTATGTGTCCTTGACTATTTTATT-3'
Protein context (NP_000312.2, residues 197-217): TFLLAKGEVL[Gln207=]MEDDLVISFQ

ClinVar aggregate classification (germline): Benign/Likely benign. Review status: criteria provided, multiple submitters, no conflicts (2 of 4 stars). 3 submissions from 3 submitters: Benign (1); Likely benign (2). Last evaluated 2026-06-23.

Conditions:
Retinoblastoma (RB1). Also called: RETINOBLASTOMA, SOMATIC. Identifiers: Orphanet 790, MedGen C0035335, MeSH D012175, MONDO:0008380, OMIM 180200, HP:0009919. Disease mechanism: loss of function. Inheritance: Both sporadic and heritable forms are tested..
Hereditary cancer-predisposing syndrome. Also called: Neoplastic Syndromes, Hereditary; Tumor predisposition; Hereditary neoplastic syndrome; Hereditary Cancer Syndrome. Identifiers: Orphanet 140162, MedGen C0027672, MeSH D009386, MONDO:0015356.

Submissions (3):

Myriad Genetics, Inc.
Classification: Benign for Retinoblastoma. Last evaluated: 2026-06-23. Review status: criteria provided, single submitter. Criteria: Myriad Autosomal Dominant, Autosomal Recessive and X-Linked Classification Criteria (2023). Collection method: clinical testing. Allele origin: unknown.
Comment: This variant is considered benign. This variant is a silent/synonymous amino acid change and it is not expected to impact splicing.

Labcorp Genetics (formerly Invitae), Labcorp
Classification: Likely benign for Retinoblastoma. Last evaluated: 2025-10-07. Review status: criteria provided, single submitter. Criteria: Invitae Variant Classification Sherloc (09022015). Collection method: clinical testing. Allele origin: germline.

Ambry Genetics
Classification: Likely benign for Hereditary cancer-predisposing syndrome. Last evaluated: 2021-03-06. Review status: criteria provided, single submitter. Criteria: Ambry Variant Classification Scheme 2023. Collection method: clinical testing. Allele origin: germline.